The following is an entry in ClinVar:

ClinVar aggregate classification (germline): Pathogenic. Review status: reviewed by expert panel (3 of 4 stars). 14 submissions from 14 submitters: Pathogenic (1). 13 of the submissions do not count toward it. Last evaluated 2016-09-08.

Conditions:
Hereditary cancer-predisposing syndrome. Also called: Tumor predisposition; Neoplastic Syndromes, Hereditary; Hereditary Cancer Syndrome; Hereditary neoplastic syndrome. Identifiers: Orphanet 140162, MedGen C0027672, MeSH D009386, MONDO:0015356.
Hereditary breast ovarian cancer syndrome. Also called: Hereditary breast and ovarian cancer syndrome (HBOC); Hereditary breast and ovarian cancer syndrome; Hereditary breast and ovarian cancer; Hereditary breast and/or ovarian cancer syndrome; Breast and ovarian cancer; BRCA1- and BRCA2-Associated Hereditary Breast and Ovarian Cancer. Identifiers: Orphanet 145, MedGen C0677776, MeSH D061325, MONDO:0003582. Disease mechanism: loss of function.
Breast-ovarian cancer, familial, susceptibility to, 1 (BROVCA1). Also called: OVARIAN CANCER, SUSCEPTIBILITY TO; BRCA1 Hereditary Breast and Ovarian Cancer. Identifiers: Orphanet 145, MedGen C2676676, MONDO:0011450, OMIM 604370. Disease mechanism: loss of function.

Submissions (14):

Evidence-based Network for the Interpretation of Germline Mutant Alleles (ENIGMA)
Classification: Pathogenic for Breast-ovarian cancer, familial, susceptibility to, 1. Last evaluated: 2016-09-08. Review status: reviewed by expert panel. Criteria: ENIGMA BRCA1/2 Classification Criteria (2015). Collection method: curation. Allele origin: germline.
Comment: Variant allele predicted to encode a truncated non-functional protein.

Labcorp Genetics (formerly Invitae), Labcorp
Classification: Pathogenic for Hereditary breast ovarian cancer syndrome. Last evaluated: 2025-11-20. Review status: criteria provided, single submitter. Criteria: Invitae Variant Classification Sherloc (09022015). Collection method: clinical testing. Allele origin: germline. Not counted in ClinVar's aggregate classification.
Comment: This sequence change creates a premature translational stop signal (p.Val233Asnfs*4) in the BRCA1 gene. It is expected to result in an absent or disrupted protein product. Loss-of-function variants in BRCA1 are known to be pathogenic (PMID: 20104584). This variant is not present in population databases (gnomAD no frequency). This premature translational stop signal has been observed in individual(s) with breast, ovarian and colon cancer (PMID: 10644434, 11720839, 14522380, 15477862, 22006311, 26350514, 26787237, 26822237). This variant is also known as 816delGT. ClinVar contains an entry for this variant (Variation ID: 37695). For these reasons, this variant has been classified as Pathogenic.

Center for Genomic Medicine, Rigshospitalet, Copenhagen University Hospital
Classification: Pathogenic. Last evaluated: 2025-03-04. Review status: criteria provided, single submitter. Criteria: ACMG Guidelines, 2015. Collection method: clinical testing. Allele origin: germline. Not counted in ClinVar's aggregate classification.

Ambry Genetics
Classification: Pathogenic for Hereditary cancer-predisposing syndrome. Last evaluated: 2024-05-06. Review status: criteria provided, single submitter. Criteria: Ambry Variant Classification Scheme 2023. Collection method: clinical testing. Allele origin: germline. Not counted in ClinVar's aggregate classification.
Comment: The c.697_698delGT pathogenic mutation, located in coding exon 9 of the BRCA1 gene, results from a deletion of 2 nucleotides between positions 697 and 698, causing a translational frameshift with a predicted alternate stop codon (p.V233Nfs*4). This mutation is a known Norwegian founder mutation and has been reported in multiple breast and/or ovarian cancer patients (Heimdal K et al. Eur. J. Cancer 2003 Oct;39(15):2205-13; Bj&oslash;rge T et al. Br. J. Cancer 2004 Nov;91(10):1829-34; Walsh T et al. Proc. Natl. Acad. Sci. U.S.A. 2011 Nov;108(44):18032-7; Heramb C et al. Hered Cancer Clin Pract. 2018 Jan;16:3). Of note, this alteration is also designated as 816delGT in published literature. In addition to the clinical data presented in the literature, this alteration is expected to result in loss of function by premature protein truncation or nonsense-mediated mRNA decay. As such, this alteration is interpreted as a disease-causing mutation.

Color Diagnostics, LLC DBA Color Health
Classification: Pathogenic for Hereditary cancer-predisposing syndrome. Last evaluated: 2023-11-06. Review status: criteria provided, single submitter. Criteria: ACMG Guidelines, 2015. Collection method: clinical testing. Allele origin: germline. Not counted in ClinVar's aggregate classification.
Comment: This variant deletes 2 nucleotides in exon 10 of the BRCA1 gene, creating a frameshift and premature translation stop signal. This variant is expected to result in an absent or non-functional protein product. This variant has been reported in individuals affected with breast, ovarian and colon cancer (PMID: 9667259, 15477862, 22006311, 26350514, 26787237, 26822237, 30730459) and is known to be a founder mutation in the Norwegian population (PMID: 11720839, 14522380). This variant has not been identified in the general population by the Genome Aggregation Database (gnomAD). Loss of BRCA1 function is a known mechanism of disease. Based on the available evidence, this variant is classified as Pathogenic.

GeneDx
Classification: Pathogenic. Last evaluated: 2022-11-21. Review status: criteria provided, single submitter. Criteria: GeneDx Variant Classification Process June 2021. Collection method: clinical testing. Allele origin: germline. Affected: yes. Not counted in ClinVar's aggregate classification.
Comment: Frameshift variant predicted to result in protein truncation or nonsense mediated decay in a gene for which loss of function is a known mechanism of disease; Not observed at significant frequency in large population cohorts (gnomAD); Truncating variants in this gene are considered pathogenic by a well-established clinical consortium and/or database; Also known as 816_817del, 816delGT; This variant is associated with the following publications: (PMID: 9667259, 15735322, 10644434, 25452441, 22006311, 26350514, 30730459, 26822237, 26787237, 32719484, 29339979, 14522380, 11720839, 28918466, 29371908, 31853058, 28888541, 35165121, 28152038)

Women's Health and Genetics/Laboratory Corporation of America, LabCorp
Classification: Pathogenic for Hereditary breast ovarian cancer syndrome. Last evaluated: 2022-04-05. Review status: criteria provided, single submitter. Criteria: LabCorp Variant Classification Summary - May 2015. Collection method: clinical testing. Allele origin: germline. Not counted in ClinVar's aggregate classification.
Comment: Variant summary: BRCA1 c.697_698delGT (p.Val233AsnfsX4) results in a premature termination codon, predicted to cause a truncation of the encoded protein or absence of the protein due to nonsense mediated decay, which are commonly known mechanisms for disease. Truncations downstream of this position have been classified as pathogenic by our laboratory. The variant was absent in 248832 control chromosomes. The variant, c.697_698delGT, has been reported in the literature in multiple individuals affected with Hereditary Breast and Ovarian Cancer, predominantly in Norwegian individuals, and has been indicated to be a Norwegian founder mutation (eg. Moller_2001). To our knowledge, no experimental evidence demonstrating an impact on protein function has been reported. Seven clinical diagnostic laboratories have submitted clinical-significance assessments for this variant to ClinVar after 2014 without evidence for independent evaluation. All laboratories classified the variant as pathogenic. Based on the evidence outlined above, the variant was classified as pathogenic.

Quest Diagnostics Nichols Institute San Juan Capistrano
Classification: Pathogenic. Last evaluated: 2020-10-20. Review status: criteria provided, single submitter. Criteria: Quest Diagnostics criteria. Collection method: clinical testing. Allele origin: unknown. Not counted in ClinVar's aggregate classification.
Comment: This frameshift variant causes the premature termination of BRCA1 protein synthesis. In addition, it has been reported in individuals with breast, ovarian and colorectal cancers in the published literature and has been reported as a founder mutation in the Norwegian population (PMID: 30730459 (2019), 26822237 (2016), 26787237 (2016), 26350514 (2015), 22006311 (2011), 15477862 (2004), 14522380 (2003), 11720839 (2001), 10644434 (1999)). This variant has not been reported in large, multi-ethnic general populations. Therefore, the variant is classified as pathogenic.

Consortium of Investigators of Modifiers of BRCA1/2 (CIMBA), c/o University of Cambridge
Classification: Pathogenic for Breast-ovarian cancer, familial, susceptibility to, 1. Last evaluated: 2015-10-02. Review status: criteria provided, single submitter. Criteria: CIMBA Mutation Classification guidelines May 2016. Collection method: clinical testing. Allele origin: germline. Not counted in ClinVar's aggregate classification.

Department of Medical Genetics, Oslo University Hospital
Classification: Pathogenic for Breast-ovarian cancer, familial, susceptibility to, 1. Last evaluated: 2015-07-01. Review status: criteria provided, single submitter. Criteria: ACMG Guidelines, 2015. Collection method: clinical testing. Allele origin: germline. Affected: yes. Observed: 182 variant alleles. Not counted in ClinVar's aggregate classification.

BRCAlab, Lund University
Classification: Pathogenic for Breast-ovarian cancer, familial, susceptibility to, 1. Last evaluated: 2020-03-02. Review status: no assertion criteria provided. Collection method: clinical testing. Allele origin: germline. Affected: yes. Not counted in ClinVar's aggregate classification.

Research Molecular Genetics Laboratory, Women's College Hospital, University of Toronto
Classification: Pathogenic for Hereditary breast ovarian cancer syndrome. Last evaluated: 2014-01-31. Review status: no assertion criteria provided. Collection method: research. Allele origin: germline. Affected: yes. Study: The Canadian Open Genetics Repository (COGR). Not counted in ClinVar's aggregate classification.

Sharing Clinical Reports Project (SCRP)
Classification: Pathogenic for Breast-ovarian cancer, familial 1. Last evaluated: 2012-08-27. Review status: no assertion criteria provided. Collection method: clinical testing. Allele origin: germline. Not counted in ClinVar's aggregate classification.

Breast Cancer Information Core (BIC) (BRCA1)
Classification: Pathogenic for Breast-ovarian cancer, familial 1. Last evaluated: 2002-05-29. Review status: no assertion criteria provided. Collection method: clinical testing. Allele origin: germline. Affected: yes. Observed: 20 variant alleles. Not counted in ClinVar's aggregate classification.

Literature cited by the submitters: PubMed 20104584 (cited by Labcorp Genetics (formerly Invitae), Labcorp); PubMed 10644434 (cited by Labcorp Genetics (formerly Invitae), Labcorp and Quest Diagnostics Nichols Institute San Juan Capistrano); PubMed 11720839 (cited by 4 submitters); PubMed 14522380 (cited by 4 submitters); PubMed 15477862 (cited by 3 submitters); PubMed 22006311 (cited by 3 submitters); PubMed 26350514 (cited by 4 submitters); PubMed 26787237 (cited by 4 submitters); PubMed 26822237 (cited by 4 submitters); PubMed 25682074 (cited by Ambry Genetics); PubMed 29339979 (cited by Ambry Genetics); PubMed 9667259 (cited by Color Diagnostics, LLC DBA Color Health); PubMed 30730459 (cited by Color Diagnostics, LLC DBA Color Health and Quest Diagnostics Nichols Institute San Juan Capistrano); PubMed 26295337 (cited by Quest Diagnostics Nichols Institute San Juan Capistrano).

NM_007294.4(BRCA1):c.697_698del (p.Val233fs)

Gene: BRCA1 (BRCA1 DNA repair associated; minus strand). Cytogenetic location: 17q21.31.
Variant type: Deletion.
Coding change: c.697_698del on transcript NM_007294.4 (MANE Select); coding-DNA positions 697 to 698, 2 bases deleted (GT; older notation c.697_698delGT).
Protein change: p.Val233fs; shifts the reading frame from valine 233.
Molecular consequence: frameshift variant. On other transcripts: non-coding transcript variant (1).
Genome position (GRCh38, 1-based): chr17:43,094,833-43,094,834, AC deleted on the plus strand (GT on the coding strand, the reverse complement: BRCA1 is on the minus strand); deleting any 2 consecutive bases within chr17:43,094,833-43,094,835 gives the same sequence; the c. name uses the placement nearest the transcript's 3' end. VCF-style (leftmost placement, unchanged base first): chr17-43094832-TAC-T. GRCh37 (hg19) VCF-style: chr17-41246849-TAC-T.
Other names: 816delGT; c.697_698delGT (NM_007294.3); c.555_556delTG, p.Val186Asnfs (NM_001408458.1, NM_001408459.1, NM_001408460.1 and 42 more transcripts); c.552_553delTG, p.Val185Asnfs (NM_001408462.1, NM_001408463.1, NM_001408464.1 and 26 more transcripts); c.696_697delTG, p.Val233Asnfs (NM_001408472.1, NM_007298.4, NM_007304.2 and 52 more transcripts); c.693_694delTG, p.Val232Asnfs (NM_001408473.1, NM_001407587.1, NM_001407590.1 and 38 more transcripts); c.495_496delTG, p.Val166Asnfs (NM_001408474.1, NM_001408476.1, NM_001407862.1); c.492_493delTG, p.Val165Asnfs (NM_001408475.1, NM_001407874.1, NM_001407875.1); and 18 more; short protein forms V186fs, V233fs.
Identifiers: ClinVar variation 37695 (VCV000037695.28), dbSNP rs80357747, ClinGen allele CA003822.